The following is an entry in ClinVar:

ClinVar aggregate classification (germline): Uncertain significance (1 of 4 stars; one submission).

Conditions:
Autosomal recessive limb-girdle muscular dystrophy type 2O. Also called: MUSCULAR DYSTROPHY-DYSTROGLYCANOPATHY (LIMB-GIRDLE), TYPE C, 3; MUSCULAR DYSTROPHY-DYSTROGLYCANOPATHY, LIMB-GIRDLE, POMGNT1-RELATED; Limb-Girdle Muscular Dystrophy Type 3C. Identifiers: Orphanet 206564, MedGen C3150417, MONDO:0013161, OMIM 613157.
Muscular dystrophy-dystroglycanopathy (congenital with impaired intellectual development), type B, 3. Also called: Muscular dystrophy-dystroglycanopathy (congenital with intellectual disability), type B3; MUSCULAR DYSTROPHY, CONGENITAL, POMGNT1-RELATED. Identifiers: MedGen C3150412, MONDO:0013155, OMIM 613151.

Submission:

Labcorp Genetics (formerly Invitae), Labcorp
Classification: Uncertain significance for Autosomal recessive limb-girdle muscular dystrophy type 2O; Muscular dystrophy-dystroglycanopathy (congenital with impaired intellectual development), type B, 3. Last evaluated: 2022-10-18. Review status: criteria provided, single submitter. Criteria: Invitae Variant Classification Sherloc (09022015). Collection method: clinical testing. Allele origin: germline.
Comment: In summary, the available evidence is currently insufficient to determine the role of this variant in disease. Therefore, it has been classified as a Variant of Uncertain Significance. This sequence change replaces glycine, which is neutral and non-polar, with cysteine, which is neutral and slightly polar, at codon 610 of the POMGNT1 protein (p.Gly610Cys). This variant is not present in population databases (gnomAD no frequency). This variant has not been reported in the literature in individuals affected with POMGNT1-related conditions. ClinVar contains an entry for this variant (Variation ID: 934922). Advanced modeling of protein sequence and biophysical properties (such as structural, functional, and spatial information, amino acid conservation, physicochemical variation, residue mobility, and thermodynamic stability) has been performed at Invitae for this missense variant, however the output from this modeling did not meet the statistical confidence thresholds required to predict the impact of this variant on POMGNT1 protein function.

NM_017739.4(POMGNT1):c.1828G>T (p.Gly610Cys)

Genes: POMGNT1 (protein O-linked mannose N-acetylglucosaminyltransferase 1 (beta 1,2-); minus strand), TSPAN1 (tetraspanin 1; plus strand). Cytogenetic location: 1p34.1.
Variant type: single nucleotide variant.
Coding change: c.1828G>T on transcript NM_017739.4 (MANE Select); coding-DNA position 1828, G replaced by T.
Protein change: p.Gly610Cys; replaces glycine 610 with cysteine.
Molecular consequence: missense variant.
Genome position (GRCh38, 1-based): chr1:46,189,525, C>A on the plus strand (G>T on the coding strand, the complement: POMGNT1 is on the minus strand). VCF-style: chr1-46189525-C-A. GRCh37 (hg19) VCF-style: chr1-46655197-C-A.
Other names: c.1828G>T, p.Gly610Cys (NM_001243766.2, NM_001410783.1); c.1762G>T, p.Gly588Cys (NM_001290129.3); c.1399G>T, p.Gly467Cys (NM_001290130.2); short protein forms G588C, G467C, G610C.
Identifiers: ClinVar variation 934922 (VCV000934922.10), dbSNP rs1657578489, ClinGen allele CA340170973.